The following is an entry in ClinVar:

ClinVar aggregate classification (germline): Uncertain significance (1 of 4 stars; one submission).

gnomAD v4.1: 38 of 1,613,830 alleles (0.0024%); highest among the groups gnomAD compares: Non-Finnish European, 0.0031%; no homozygotes.

Submission:

CeGaT Center for Human Genetics Tuebingen
Classification: Uncertain significance. Last evaluated: 2025-12-01. Review status: criteria provided, single submitter. Criteria: CeGaT Center For Human Genetics Tuebingen Variant Classification Criteria Version 2. Collection method: clinical testing. Allele origin: germline. Affected: yes. Observed: 1 variant allele.
Comment: DCHS1: PM2

NM_003737.4(DCHS1):c.879G>C (p.Glu293Asp)

Gene: DCHS1 (dachsous cadherin-related 1; minus strand). Cytogenetic location: 11p15.4.
Variant type: single nucleotide variant.
Coding change: c.879G>C on transcript NM_003737.4 (MANE Select); coding-DNA position 879, G replaced by C.
Protein change: p.Glu293Asp; replaces glutamic acid 293 with aspartic acid.
Molecular consequence: missense variant.
Genome position (GRCh38, 1-based): chr11:6,640,735, C>G on the plus strand (G>C on the coding strand, the complement: DCHS1 is on the minus strand). VCF-style: chr11-6640735-C-G. GRCh37 (hg19) VCF-style: chr11-6661966-C-G.
Other names: short protein forms E293D.
Identifiers: ClinVar variation 4681769 (VCV004681769.5).